The following is an entry in ClinVar:

NC_000012.11:g.(?_57966343)_(57966529_?)del

Gene: KIF5A (kinesin family member 5A; plus strand). Cytogenetic location: 12q13.3.
Variant type: Deletion.
Identifiers: ClinVar variation 3244243 (VCV003244243.1).

ClinVar aggregate classification (germline): Uncertain significance (1 of 4 stars; one submission).

Conditions:
Spastic paraplegia. Identifiers: MedGen C0037772, HP:0001258.

Submission:

Labcorp Genetics (formerly Invitae), Labcorp
Classification: Uncertain significance for Spastic paraplegia. Last evaluated: 2023-07-17. Review status: criteria provided, single submitter. Criteria: Invitae Variant Classification Sherloc (09022015). Collection method: clinical testing. Allele origin: unknown.
Comment: In summary, the available evidence is currently insufficient to determine the role of this variant in disease. Therefore, it has been classified as a Variant of Uncertain Significance. Experimental studies and prediction algorithms are not available or were not evaluated, and the functional significance of this variant is currently unknown. This variant has not been reported in the literature in individuals affected with KIF5A-related conditions. This variant is a gross deletion of the genomic region encompassing exon(s) 15 of the KIF5A gene. This variant would be expected to be in-frame, preserving the integrity of the reading frame.